The following is an entry in ClinVar:

NM_001042492.3(NF1):c.3484dup (p.Met1162fs)

Gene: NF1 (neurofibromin 1; plus strand). Cytogenetic location: 17q11.2.
Variant type: Duplication.
Coding change: c.3484dup on transcript NM_001042492.3 (MANE Select); coding-DNA position 3484, one base duplicated (A; older notation c.3484dupA).
Protein change: p.Met1162fs; shifts the reading frame from methionine 1162.
Molecular consequence: frameshift variant.
Genome position (GRCh38, 1-based): chr17:31,232,869, A duplicated. VCF-style (leftmost placement, unchanged base first): chr17-31232868-C-CA. GRCh37 (hg19) VCF-style: chr17-29559886-C-CA.
Other names: c.3484dupA (NM_000267.3); c.3484dup, p.Met1162Asnfs (NM_000267.4); short protein forms M1162fs.
Identifiers: ClinVar variation 457651 (VCV000457651.5), dbSNP rs1555614977, ClinGen allele CA658656580.

ClinVar aggregate classification (germline): Pathogenic (1 of 4 stars; one submission).

Conditions:
Neurofibromatosis, type 1 (NF1). Also called: VON RECKLINGHAUSEN DISEASE; NEUROFIBROMATOSIS, TYPE I, SOMATIC; Peripheral type neurofibromatosis; Neurofibromatosis, type I. Identifiers: Orphanet 636, MedGen C0027831, MONDO:0018975, OMIM 162200. Disease mechanism: loss of function.

Submission:

Labcorp Genetics (formerly Invitae), Labcorp
Classification: Pathogenic for Neurofibromatosis, type 1. Last evaluated: 2017-02-07. Review status: criteria provided, single submitter. Criteria: Invitae Variant Classification Sherloc (09022015). Collection method: clinical testing. Allele origin: germline.
Comment: For these reasons, this variant has been classified as Pathogenic. While this particular variant has not been reported in the literature, loss-of-function variants in NF1 are known to be pathogenic (PMID: 10712197, 23913538). This sequence change inserts 1 nucleotide in exon 26 of the NF1 mRNA (c.3484dupA), causing a frameshift at codon 1162. This creates a premature translational stop signal (p.Met1162Asnfs*33) and is expected to result in an absent or disrupted protein product.

Literature cited by the submitters: PubMed 10712197; PubMed 23913538.